The following is an entry in ClinVar:

ClinVar aggregate classification (germline): Uncertain significance (0 of 4 stars; one submission).

Conditions:
PTPRO-related disorder. Also called: PTPRO-related condition.

Allele frequency attached by ClinVar (database versions not stated): gnomAD exomes below 0.00001; ExAC 0.00001; TOPMed 0.00001.
gnomAD v4.1: 1 of 1,610,774 alleles (0.000062%); highest among the groups gnomAD compares: Admixed American, 0.0017%; no homozygotes.

Submission:

PreventionGenetics, part of Exact Sciences
Classification: Uncertain significance for PTPRO-related condition. Last evaluated: 2023-12-08. Review status: no assertion criteria provided. Collection method: clinical testing. Allele origin: germline.
Comment: The PTPRO c.1093A>T variant is predicted to result in the amino acid substitution p.Ile365Phe. To our knowledge, this variant has not been reported in the literature. This variant is reported in 0.0029% of alleles in individuals of Latino descent in gnomAD. At this time, the clinical significance of this variant is uncertain due to the absence of conclusive functional and genetic evidence.

NM_030667.3(PTPRO):c.1093A>T (p.Ile365Phe)

Gene: PTPRO (protein tyrosine phosphatase receptor type O; plus strand). Cytogenetic location: 12p12.3.
Variant type: single nucleotide variant.
Coding change: c.1093A>T on transcript NM_030667.3 (MANE Select); coding-DNA position 1093, A replaced by T.
Protein change: p.Ile365Phe; replaces isoleucine 365 with phenylalanine.
Molecular consequence: missense variant.
Genome position (GRCh38, 1-based): chr12:15,502,051, A>T. VCF-style: chr12-15502051-A-T. GRCh37 (hg19) VCF-style: chr12-15654985-A-T.
Other names: c.1093A>T, p.Ile365Phe (NM_002848.4); short protein forms I365F.
Identifiers: ClinVar variation 3047187 (VCV003047187.2), dbSNP rs772562526, ClinGen allele CA6466413.